The following is an entry in ClinVar:

NM_001369.3(DNAH5):c.2491_2492insGATGGTTAAGAGACAGT (p.Ile831fs)

Genes: DNAH5 (dynein axonemal heavy chain 5; minus strand), DNAH5-AS1 (DNAH5 antisense RNA 1; plus strand). Cytogenetic location: 5p15.2.
Variant type: Insertion.
Coding change: c.2491_2492insGATGGTTAAGAGACAGT on transcript NM_001369.3 (MANE Select); coding-DNA positions 2491 to 2492, GATGGTTAAGAGACAGT inserted.
Protein change: p.Ile831fs; shifts the reading frame from isoleucine 831.
Molecular consequence: frameshift variant.
Genome position: GRCh38 VCF-style: chr5-13891061-A-AACTGTCTCTTAACCATC. GRCh37 (hg19) VCF-style: chr5-13891170-A-AACTGTCTCTTAACCATC.
Other names: short protein forms I831fs.
Identifiers: ClinVar variation 5011330 (VCV005011330.1).
Genomic context (GRCh38, chr5:13,891,061, plus strand): 5'-CAGGTTAGTGGCTCCTCCTGGGGAAGCTGACAAAGAGGCGTGCTGCTCATTTCTTCTAGA[A>AACTGTCTCTTAACCATC]TGGCATCAATGCGGAACTCAATCAAATCATTGACCCTGTCAAGCAGCAACTCCAGGTCCT-3'

ClinVar aggregate classification (germline): Pathogenic (1 of 4 stars; one submission).

Conditions:
Primary ciliary dyskinesia 3. Identifiers: Orphanet 244, MedGen C1837618, MONDO:0012085, OMIM 608644.

Submission:

Myriad Genetics, Inc.
Classification: Pathogenic for Primary ciliary dyskinesia 3. Last evaluated: 2023-08-12. Review status: criteria provided, single submitter. Criteria: Myriad Autosomal Dominant, Autosomal Recessive and X-Linked Classification Criteria (2023). Collection method: clinical testing. Allele origin: unknown.
Comment: NM_001369.2(DNAH5):c.2491_2492ins17(I831Rfs*8) is expected to be pathogenic in the context of primary ciliary dyskinesia, DNAH5-related. This variant is predicted to lead to an abnormal or absent protein product due to the creation of a premature termination codon in DNAH5, a gene where loss-of-function variants are known to be pathogenic. Please note: this variant was assessed in the context of healthy population screening.